The following is an entry in ClinVar:

NM_001363118.2(SLC52A2):c.-110-1G>A

Gene: SLC52A2 (solute carrier family 52 member 2; plus strand). Cytogenetic location: 8q24.3.
Variant type: single nucleotide variant.
Coding change: c.-110-1G>A on transcript NM_001363118.2 (MANE Select); the canonical splice acceptor site of the intron before 110 bases upstream of the start codon, G replaced by A.
Molecular consequence: splice acceptor variant. On other transcripts: intron variant (2).
Genome position (GRCh38, 1-based): chr8:144,359,183, G>A. VCF-style: chr8-144359183-G-A. GRCh37 (hg19) VCF-style: chr8-145582843-G-A.
Other names: c.-110-1G>A (NM_001253816.2, NM_001363120.2, NM_024531.5 and 2 more transcripts); c.-106-5G>A (NM_001363121.2, NM_001253815.2).
Identifiers: ClinVar variation 549670 (VCV000549670.5), dbSNP rs1554853682, ClinGen allele CA658821840.

ClinVar aggregate classification (germline): Conflicting classifications of pathogenicity. Review status: criteria provided, conflicting classifications (1 of 4 stars). 5 submissions from 5 submitters: Pathogenic (1); Likely pathogenic (1); Uncertain significance (2). 1 of the submissions does not count toward it. Last evaluated 2026-06-01.

Conditions:
Brown-Vialetto-van Laere syndrome 2. Also called: Riboflavin transporter deficiency type 2; SPINOCEREBELLAR ATAXIA WITH BLINDNESS AND DEAFNESS 2. Identifiers: Orphanet 572543, Orphanet 97229, MedGen C3553538, MONDO:0013867, OMIM 614707.
SLC52A2-related disorder. Also called: SLC52A2-related condition.

Allele frequency attached by ClinVar (database versions not stated): gnomAD exomes below 0.00001; TOPMed below 0.00001.
gnomAD v4.1: 8 of 1,470,136 alleles (0.00054%); highest among the groups gnomAD compares: Middle Eastern, 0.018%; no homozygotes.

Submissions (5):

PreventionGenetics, part of Exact Sciences
Classification: Uncertain significance for SLC52A2-related condition. Last evaluated: 2026-06-01. Review status: criteria provided, single submitter. Criteria: ACMG Guidelines, 2015. Collection method: clinical testing. Allele origin: germline.
Comment: The SLC52A2 c.-110-1G>A variant is located in the 5' untranslated region. This variant was reported in the compound heterozygous state to a missense variant in an individual with Brown-Vialetto-Van Laere syndrome (Karakaya et al. 2018. PubMed ID: 29858556; Paketci et al. 2020. PubMed ID: 32709422). This variant has not been reported in a large population database (gnomAD), indicating this variant is rare. At this time, the clinical significance of this variant is uncertain due to the absence of conclusive functional and genetic evidence.

First Genomix Gene Laboratory, Genetic Diagnostics Department
Classification: Likely pathogenic for Brown-Vialetto-van Laere syndrome 2. Last evaluated: 2025-09-24. Review status: criteria provided, single submitter. Criteria: ACMG Guidelines, 2015. Collection method: clinical testing. Allele origin: germline. Inheritance: Autosomal recessive inheritance. Affected: no. Observed: 1 variant allele.

GeneDx
Classification: Pathogenic. Last evaluated: 2020-05-15. Review status: criteria provided, single submitter. Criteria: GeneDx Variant Classification Process June 2021. Collection method: clinical testing. Allele origin: germline. Affected: yes.
Comment: Canonical splice site variant predicted to result in a null allele in a gene for which loss-of-function is a known mechanism of disease; This variant is associated with the following publications: (PMID: 29858556, 34426522)

Baylor Genetics
Classification: Uncertain significance for Brown-Vialetto-van Laere syndrome 2. Last evaluated: 2019-07-23. Review status: criteria provided, single submitter. Criteria: ACMG Guidelines, 2015. Collection method: clinical testing. Allele origin: unknown. Affected: yes.
Comment: This variant was determined to be of uncertain significance according to ACMG Guidelines, 2015 [PMID:25741868].

Institute of Human Genetics, Cologne University
Classification: Likely pathogenic for Brown-Vialetto-van Laere syndrome 2. Last evaluated: 2018-04-25. Review status: no assertion criteria provided. Collection method: clinical testing. Allele origin: germline. Affected: yes. Not counted in ClinVar's aggregate classification.